The following is an entry in ClinVar:

NM_001080449.3(DNA2):c.2857T>A (p.Leu953Ile)

Gene: DNA2 (DNA replication helicase/nuclease 2; minus strand). Cytogenetic location: 10q21.3.
Variant type: single nucleotide variant.
Coding change: c.2857T>A on transcript NM_001080449.3 (MANE Select); coding-DNA position 2857, T replaced by A.
Protein change: p.Leu953Ile; replaces leucine 953 with isoleucine.
Molecular consequence: missense variant. On other transcripts: non-coding transcript variant (1).
Genome position (GRCh38, 1-based): chr10:68,419,144, A>T on the plus strand (T>A on the coding strand, the complement: DNA2 is on the minus strand). VCF-style: chr10-68419144-A-T. GRCh37 (hg19) VCF-style: chr10-70178901-A-T.
Other names: short protein forms L953I.
Identifiers: ClinVar variation 1944084 (VCV001944084.5), dbSNP rs904539309, ClinGen allele CA208191908.
Genomic context (GRCh38, chr10:68,419,144, plus strand): 5'-CCCTTCCTTGGTATTTGTCTACTGTATTAACTTCGACCATCCCAATAGAACGTGCCAATA[A>T]ATCATTGATGATCTTTAATTGCTGCCTGTACGGTGCAATAATACCAATATCAGAGGGACT-3'
Protein context (NP_001073918.2, residues 943-963): YRQQLKIIND[Leu953Ile]LARSIGMVEV

ClinVar aggregate classification (germline): Uncertain significance (1 of 4 stars; one submission).

Allele frequency attached by ClinVar (database versions not stated): gnomAD exomes below 0.00001.
gnomAD v4.1: 6 of 1,613,490 alleles (0.00037%); highest among the groups gnomAD compares: Non-Finnish European, 0.00042%; no homozygotes.

Submission:

Labcorp Genetics (formerly Invitae), Labcorp
Classification: Uncertain significance. Last evaluated: 2025-04-20. Review status: criteria provided, single submitter. Criteria: Invitae Variant Classification Sherloc (09022015). Collection method: clinical testing. Allele origin: germline.
Comment: This sequence change replaces leucine, which is neutral and non-polar, with isoleucine, which is neutral and non-polar, at codon 953 of the DNA2 protein (p.Leu953Ile). This variant is not present in population databases (gnomAD no frequency). This variant has not been reported in the literature in individuals affected with DNA2-related conditions. ClinVar contains an entry for this variant (Variation ID: 1944084). Invitae Evidence Modeling of protein sequence and biophysical properties (such as structural, functional, and spatial information, amino acid conservation, physicochemical variation, residue mobility, and thermodynamic stability) indicates that this missense variant is not expected to disrupt DNA2 protein function with a negative predictive value of 80%. In summary, the available evidence is currently insufficient to determine the role of this variant in disease. Therefore, it has been classified as a Variant of Uncertain Significance.